The following is an entry in ClinVar:

NM_000057.4(BLM):c.46_53delinsTGCT (p.His16fs)

Gene: BLM (BLM RecQ like helicase; plus strand). Cytogenetic location: 15q26.1.
Variant type: Indel.
Coding change: c.46_53delinsTGCT on transcript NM_000057.4 (MANE Select); coding-DNA positions 46 to 53, CACTCAGC replaced by TGCT.
Protein change: p.His16fs; shifts the reading frame from histidine 16.
Molecular consequence: frameshift variant. On other transcripts: 5 prime UTR variant (1).
Genome position (GRCh38, 1-based): chr15:90,747,438-90,747,445, CACTCAGC replaced by TGCT. VCF-style: chr15-90747438-CACTCAGC-TGCT. GRCh37 (hg19) VCF-style: chr15-91290668-CACTCAGC-TGCT.
Other names: c.46_53delinsTGCT, p.His16fs (NM_001287246.2, NM_001287247.2); c.-1246_-1239delinsTGCT (NM_001287248.2); short protein forms H16fs.
Identifiers: ClinVar variation 4277286 (VCV004277286.1).
Genomic context (GRCh38, chr15:90,747,438, plus strand): 5'-TCACTTTTTAGGATTATGGCTGCTGTTCCTCAAAATAATCTACAGGAGCAACTAGAACGT[CACTCAGC>TGCT]CAGAACACTTAATAATAAATTAAGTCTTTCAAAACCAAAATTTTCGTAAGTGTTTTGACT-3'

ClinVar aggregate classification (germline): Pathogenic (1 of 4 stars; one submission).

Conditions:
Hereditary cancer-predisposing syndrome. Also called: Hereditary Cancer Syndrome; Hereditary neoplastic syndrome; Neoplastic Syndromes, Hereditary; Tumor predisposition. Identifiers: Orphanet 140162, MedGen C0027672, MeSH D009386, MONDO:0015356.

Submission:

Laboratorio de I+D, Fundación Centro Médico de Asturias
Classification: Pathogenic for Hereditary cancer-predisposing syndrome. Last evaluated: 2025-07-08. Review status: criteria provided, single submitter. Criteria: ACMG Guidelines, 2015. Collection method: clinical testing. Allele origin: germline. Affected: yes.
Comment: PVS1+PM2_Supporting+PM3+PP4